The following is an entry in ClinVar:

ClinVar aggregate classification (germline): Pathogenic. Review status: criteria provided, multiple submitters, no conflicts (2 of 4 stars). 2 submissions from 2 submitters: Pathogenic (2). Last evaluated 2024-10-28.

Conditions:
Granulomatous disease, chronic, X-linked. Also called: GRANULOMATOUS DISEASE, CHRONIC, X-LINKED, SOMATIC MOSAIC; CYTOCHROME b-NEGATIVE GRANULOMATOUS DISEASE, CHRONIC, X-LINKED. Identifiers: Orphanet 379, MedGen C1844376, MONDO:0010600, OMIM 306400.

Submissions (2):

Labcorp Genetics (formerly Invitae), Labcorp
Classification: Pathogenic for Granulomatous disease, chronic, X-linked. Last evaluated: 2024-10-28. Review status: criteria provided, single submitter. Criteria: Invitae Variant Classification Sherloc (09022015). Collection method: clinical testing. Allele origin: germline.
Comment: This sequence change replaces arginine, which is basic and polar, with proline, which is neutral and non-polar, at codon 130 of the CYBB protein (p.Arg130Pro). RNA analysis indicates that this missense change induces altered splicing and may result in an absent or altered protein product. This variant is not present in population databases (gnomAD no frequency). This missense change has been observed in individuals with chronic granulomatous disease (PMID: 20729109, 28251166, 30633606; internal data). ClinVar contains an entry for this variant (Variation ID: 35972). Invitae Evidence Modeling of protein sequence and biophysical properties (such as structural, functional, and spatial information, amino acid conservation, physicochemical variation, residue mobility, and thermodynamic stability) indicates that this missense variant is not expected to disrupt CYBB protein function with a negative predictive value of 80%. Studies have shown that this missense change results in skipping of exon 5, and produces a non-functional protein and/or introduces a premature termination codon (PMID: 30633606). For these reasons, this variant has been classified as Pathogenic.

Women's Health and Genetics/Laboratory Corporation of America, LabCorp
Classification: Pathogenic for Chronic granulomatous disease, X-linked. Last evaluated: 2019-01-16. Review status: criteria provided, single submitter. Criteria: LabCorp Variant Classification Summary - May 2015. Collection method: clinical testing. Allele origin: germline.
Comment: Variant summary: CYBB c.389G>C (p.Arg130Pro) results in a non-conservative amino acid change located in the Ferric reductase transmembrane component-like domain of the encoded protein sequence. Four of five in-silico tools predict a damaging effect of the variant on protein function. One out of 3 computational tools predict a significant impact on normal splicing, namely a disruption of the binding site for the SRSF6 (SRp55) splicing factor within the splicing-regulatory sequence in exon 5 of the CYBB gene. The variant was absent in 198998 control chromosomes (gnomAD). c.389G>C has been reported in the literature in individuals affected with X-linked Chronic Granulomatous Disease (Eguchi_2019, Wu_2017, Roos_2010). At-least one of these reports included CGD patients who fulfilled diagnostic criteria for primary immunodeficiency set by the Pan-American Group for Immunodeficiency (PAGID) and European Society for Immunodeficiencies. These data indicate that the variant is likely to be associated with disease. Experimental evidence evaluating an impact of the variant indicated that it promotes skipping of exon 5 resulting in an aberrant transcript (Eguchi_2019) consistent with the computational predictions. Moreover, a different study mentioned undetectable gp91-phox protein levels as a result of the variant occurrence without however providing evidence for independent assessment (Roos_2010). A ClinVar submission from a clinical diagnostic laboratory (evaluation after 2014) cites the variant as uncertain significance. Based on the evidence outlined above, the variant was classified as pathogenic.

Literature cited by the submitters: PubMed 20729109 (cited by Labcorp Genetics (formerly Invitae), Labcorp and Women's Health and Genetics/Laboratory Corporation of America, LabCorp); PubMed 28251166 (cited by Labcorp Genetics (formerly Invitae), Labcorp and Women's Health and Genetics/Laboratory Corporation of America, LabCorp); PubMed 30633606 (cited by Labcorp Genetics (formerly Invitae), Labcorp and Women's Health and Genetics/Laboratory Corporation of America, LabCorp).

NM_000397.4(CYBB):c.389G>C (p.Arg130Pro)

Gene: CYBB (cytochrome b-245 beta chain; plus strand). Cytogenetic location: Xp21.1.
Variant type: single nucleotide variant.
Coding change: c.389G>C on transcript NM_000397.4 (MANE Select); coding-DNA position 389, G replaced by C.
Protein change: p.Arg130Pro; replaces arginine 130 with proline.
Molecular consequence: missense variant.
Genome position (GRCh38, 1-based): chrX:37,793,716, G>C. VCF-style: chrX-37793716-G-C. GRCh37 (hg19) VCF-style: chrX-37652969-G-C.
Other names: short protein forms R130P.
Identifiers: ClinVar variation 35972 (VCV000035972.12), dbSNP rs193922448, ClinGen allele CA213631.